The following is an entry in ClinVar:

NM_024753.5(TTC21B):c.6C>T (p.Asp2=)

Gene: TTC21B (tetratricopeptide repeat domain 21B; minus strand). Cytogenetic location: 2q24.3.
Variant type: single nucleotide variant.
Coding change: c.6C>T on transcript NM_024753.5 (MANE Select); coding-DNA position 6, C replaced by T.
Protein change: p.Asp2=; no amino-acid change (aspartic acid 2 retained).
Molecular consequence: synonymous variant.
Genome position (GRCh38, 1-based): chr2:165,953,700, G>A on the plus strand (C>T on the coding strand, the complement: TTC21B is on the minus strand). VCF-style: chr2-165953700-G-A. GRCh37 (hg19) VCF-style: chr2-166810210-G-A.
Identifiers: ClinVar variation 4997403 (VCV004997403.1).

ClinVar aggregate classification (germline): Likely benign (1 of 4 stars; one submission).

Conditions:
TTC21B-related disorder. Also called: TTC21B-related disorders; TTC21B-related condition.

gnomAD v4.1: 6 of 1,410,282 alleles (0.00043%); no homozygotes.

Submission:

PreventionGenetics, part of Exact Sciences
Classification: Likely benign for TTC21B-related condition. Last evaluated: 2025-11-03. Review status: criteria provided, single submitter. Criteria: ACMG Guidelines, 2015. Collection method: clinical testing. Allele origin: germline.
Comment: This variant is classified as likely benign based on ACMG/AMP sequence variant interpretation guidelines (Richards et al. 2015 PMID: 25741868, with internal and published modifications).